The following is an entry in ClinVar:

NM_001177316.2(SLC34A3):c.596A>G (p.Asn199Ser)

Gene: SLC34A3 (solute carrier family 34 member 3; plus strand). Cytogenetic location: 9q34.3.
Variant type: single nucleotide variant.
Coding change: c.596A>G on transcript NM_001177316.2 (MANE Select); coding-DNA position 596, A replaced by G.
Protein change: p.Asn199Ser; replaces asparagine 199 with serine.
Molecular consequence: missense variant.
Genome position (GRCh38, 1-based): chr9:137,233,244, A>G. VCF-style: chr9-137233244-A-G. GRCh37 (hg19) VCF-style: chr9-140127696-A-G.
Other names: c.596A>G, p.Asn199Ser (NM_001177317.2, NM_080877.3); short protein forms N199S.
Identifiers: ClinVar variation 3346381 (VCV003346381.1).

ClinVar aggregate classification (germline): Uncertain significance (0 of 4 stars; one submission).

Conditions:
SLC34A3-related disorder. Also called: SLC34A3-related condition.

Submission:

PreventionGenetics, part of Exact Sciences
Classification: Uncertain significance for SLC34A3-related condition. Last evaluated: 2024-07-19. Review status: no assertion criteria provided. Collection method: clinical testing. Allele origin: germline.
Comment: The SLC34A3 c.596A>G variant is predicted to result in the amino acid substitution p.Asn199Ser. To our knowledge, this variant has not been reported in the literature. This variant is reported in 0.0013% of alleles in individuals of European (Non-Finnish) descent in gnomAD. At this time, the clinical significance of this variant is uncertain due to the absence of conclusive functional and genetic evidence.